The following is an entry in ClinVar:

NM_001369268.1(ACAN):c.7669C>T (p.Arg2557Trp)

Gene: ACAN (aggrecan; plus strand). Cytogenetic location: 15q26.1.
Variant type: single nucleotide variant.
Coding change: c.7669C>T on transcript NM_001369268.1 (MANE Select); coding-DNA position 7669, C replaced by T.
Protein change: p.Arg2557Trp; replaces arginine 2557 with tryptophan.
Molecular consequence: missense variant.
Genome position (GRCh38, 1-based): chr15:88,874,443, C>T. VCF-style: chr15-88874443-C-T. GRCh37 (hg19) VCF-style: chr15-89417674-C-T.
Other names: c.7555C>T, p.Arg2519Trp (NM_001411097.1, NM_013227.4); c.7258C>T, p.Arg2420Trp (NM_001135.4); c.7441C>T, p.Arg2481Trp (NM_001411096.1); short protein forms R2481W, R2557W, R2519W, R2420W.
Identifiers: ClinVar variation 3675704 (VCV003675704.2).

ClinVar aggregate classification (germline): Uncertain significance (1 of 4 stars; one submission).

gnomAD v4.1: 10 of 1,606,948 alleles (0.00062%); highest among the groups gnomAD compares: Non-Finnish European, 0.00034%; no homozygotes.

Submission:

Labcorp Genetics (formerly Invitae), Labcorp
Classification: Uncertain significance. Last evaluated: 2024-12-31. Review status: criteria provided, single submitter. Criteria: Invitae Variant Classification Sherloc (09022015). Collection method: clinical testing. Allele origin: germline.
Comment: This sequence change replaces arginine, which is basic and polar, with tryptophan, which is neutral and slightly polar, at codon 2519 of the ACAN protein (p.Arg2519Trp). The frequency data for this variant in the population databases is considered unreliable, as metrics indicate poor data quality at this position in the gnomAD database. This variant has not been reported in the literature in individuals affected with ACAN-related conditions. An algorithm developed to predict the effect of missense changes on protein structure and function (PolyPhen-2) suggests that this variant is likely to be disruptive. In summary, the available evidence is currently insufficient to determine the role of this variant in disease. Therefore, it has been classified as a Variant of Uncertain Significance.